The following is an entry in ClinVar:

NM_177986.5(DSG4):c.30C>T (p.Cys10=)

Genes: DSG1-AS1 (DSG1 antisense RNA 1; minus strand), DSG4 (desmoglein 4; plus strand). Cytogenetic location: 18q12.1.
Variant type: single nucleotide variant.
Coding change: c.30C>T on transcript NM_177986.5 (MANE Select); coding-DNA position 30, C replaced by T.
Protein change: p.Cys10=; no amino-acid change (cysteine 10 retained).
Molecular consequence: synonymous variant.
Genome position (GRCh38, 1-based): chr18:31,376,941, C>T. VCF-style: chr18-31376941-C-T. GRCh37 (hg19) VCF-style: chr18-28956904-C-T.
Other names: c.30C>T, p.Cys10= (NM_001134453.3).
Identifiers: ClinVar variation 326416 (VCV000326416.15), dbSNP rs36101975, ClinGen allele CA8926567.

ClinVar aggregate classification (germline): Benign. Review status: criteria provided, multiple submitters, no conflicts (2 of 4 stars). 4 submissions from 4 submitters: Benign (4). Last evaluated 2026-01-28.

Conditions:
Hypotrichosis 6 (HYPT6). Also called: HYPOTRICHOSIS, LOCALIZED, AUTOSOMAL RECESSIVE 1; MONILETHRIX-LIKE HYPOTRICHOSIS. Identifiers: Orphanet 55654, MedGen C1842839, MONDO:0011932, OMIM 607903.

Allele frequency attached by ClinVar (database versions not stated): 1000 Genomes Project 0.12161; 1000 Genomes Project 30x 0.12289; TOPMed 0.13444; gnomAD exomes 0.13764 and 0.14201; gnomAD 0.13837 and 0.13937; ESP Exome Variant Server 0.14124; ExAC 0.14315.
gnomAD v4.1: 228,338 of 1,612,720 alleles (14%); highest among the groups gnomAD compares: Middle Eastern, 21%; 16,562 homozygotes.

Submissions (4):

Labcorp Genetics (formerly Invitae), Labcorp
Classification: Benign. Last evaluated: 2026-01-28. Review status: criteria provided, single submitter. Criteria: Invitae Variant Classification Sherloc (09022015). Collection method: clinical testing. Allele origin: germline.

GeneDx
Classification: Benign. Last evaluated: 2021-06-09. Review status: criteria provided, single submitter. Criteria: GeneDx Variant Classification Process June 2021. Collection method: clinical testing. Allele origin: germline. Affected: yes.

Illumina Laboratory Services, Illumina
Classification: Benign for Hypotrichosis 6. Last evaluated: 2018-01-13. Review status: criteria provided, single submitter. Criteria: ICSL Variant Classification Criteria 13 December 2019. Collection method: clinical testing. Allele origin: germline.
Comment: This variant was observed in the ICSL laboratory as part of a predisposition screen in an ostensibly healthy population. It had not been previously curated by ICSL or reported in the Human Gene Mutation Database (HGMD: prior to June 1st, 2018), and was therefore a candidate for classification through an automated scoring system. Utilizing variant allele frequency, disease prevalence and penetrance estimates, and inheritance mode, an automated score was calculated to assess if this variant is too frequent to cause the disease. Based on the score and internal cut-off values, a variant classified as benign is not then subjected to further curation. The score for this variant resulted in a classification of benign for this disease.

Breakthrough Genomics
Classification: Benign. Review status: criteria provided, single submitter. Criteria: ACMG Guidelines, 2015. Collection method: not provided. Allele origin: germline. Inheritance: Autosomal recessive inheritance. Affected: yes.